The following is an entry in ClinVar:

NM_001136157.2(OTUD5):c.91C>T (p.Arg31Trp)

Gene: OTUD5 (OTU deubiquitinase 5; minus strand). Cytogenetic location: Xp11.23.
Variant type: single nucleotide variant.
Coding change: c.91C>T on transcript NM_001136157.2 (MANE Select); coding-DNA position 91, C replaced by T.
Protein change: p.Arg31Trp; replaces arginine 31 with tryptophan.
Molecular consequence: missense variant. On other transcripts: intron variant (1).
Genome position (GRCh38, 1-based): chrX:48,957,480, G>A on the plus strand (C>T on the coding strand, the complement: OTUD5 is on the minus strand). VCF-style: chrX-48957480-G-A. GRCh37 (hg19) VCF-style: chrX-48814742-G-A.
Other names: c.91C>T, p.Arg31Trp (NM_001136158.2, NM_017602.4); c.-58+752C>T (NM_001136159.2); short protein forms R31W.
Identifiers: ClinVar variation 4077206 (VCV004077206.1).

ClinVar aggregate classification (germline): Uncertain significance (1 of 4 stars; one submission).

Submission:

GeneDx
Classification: Uncertain significance. Last evaluated: 2025-02-19. Review status: criteria provided, single submitter. Criteria: GeneDx Variant Classification Process June 2021. Collection method: clinical testing. Allele origin: germline. Affected: yes.
Comment: Not observed at significant frequency in large population cohorts (gnomAD); In silico analysis indicates that this missense variant does not alter protein structure/function; Has not been previously published as pathogenic or benign to our knowledge